The following is an entry in ClinVar:

ClinVar aggregate classification (germline): Benign (1 of 4 stars; one submission).

Conditions:
Nail-patella syndrome (NPS). Also called: FONG DISEASE; ONYCHOOSTEODYSPLASIA; TURNER-KIESER SYNDROME. Identifiers: Orphanet 2614, MedGen C0027341, MONDO:0008061, OMIM 161200.

Allele frequency attached by ClinVar (database versions not stated): gnomAD 0.00235 and 0.00255; 1000 Genomes Project 30x 0.00265; TOPMed 0.00269; 1000 Genomes Project 0.00280.

Submission:

Illumina Laboratory Services, Illumina
Classification: Benign for Nail-patella syndrome. Last evaluated: 2018-01-13. Review status: criteria provided, single submitter. Criteria: ICSL Variant Classification Criteria 13 December 2019. Collection method: clinical testing. Allele origin: germline.
Comment: This variant was observed in the ICSL laboratory as part of a predisposition screen in an ostensibly healthy population. It had not been previously curated by ICSL or reported in the Human Gene Mutation Database (HGMD: prior to June 1st, 2018), and was therefore a candidate for classification through an automated scoring system. Utilizing variant allele frequency, disease prevalence and penetrance estimates, and inheritance mode, an automated score was calculated to assess if this variant is too frequent to cause the disease. Based on the score and internal cut-off values, a variant classified as benign is not then subjected to further curation. The score for this variant resulted in a classification of benign for this disease.

NM_001174147.2(LMX1B):c.*884G>A

Gene: LMX1B (LIM homeobox transcription factor 1 beta; plus strand). Cytogenetic location: 9q33.3.
Variant type: single nucleotide variant.
Coding change: c.*884G>A on transcript NM_001174147.2 (MANE Select); 884 bases downstream of the stop codon, G replaced by A.
Molecular consequence: 3 prime UTR variant.
Genome position (GRCh38, 1-based): chr9:126,697,335, G>A. VCF-style: chr9-126697335-G-A. GRCh37 (hg19) VCF-style: chr9-129459614-G-A.
Other names: c.*884G>A (NM_001174146.2, NM_002316.4).
Identifiers: ClinVar variation 914174 (VCV000914174.4), dbSNP rs146268507, ClinGen allele CA199818278.